The following is an entry in ClinVar:

ClinVar aggregate classification (germline): Conflicting classifications of pathogenicity. Review status: criteria provided, conflicting classifications (1 of 4 stars). 2 submissions from 2 submitters: Uncertain significance (1); Likely benign (1). Last evaluated 2025-12-20.

Conditions:
Multiple mitochondrial dysfunctions syndrome 1 (MMDS1). Identifiers: Orphanet 401869, MedGen C3276432, MONDO:0011582, OMIM 605711.

Allele frequency attached by ClinVar (database versions not stated): gnomAD 0.00005 and 0.00007; gnomAD exomes 0.00007; TOPMed 0.00007; ExAC 0.00009; 1000 Genomes Project 30x 0.00016; 1000 Genomes Project 0.00020; ESP Exome Variant Server 0.00023.
gnomAD v4.1: 130 of 1,577,290 alleles (0.0082%); highest among the groups gnomAD compares: Non-Finnish European, 0.011%; no homozygotes.

Submissions (2):

Labcorp Genetics (formerly Invitae), Labcorp
Classification: Uncertain significance for Multiple mitochondrial dysfunctions syndrome 1. Last evaluated: 2025-12-20. Review status: criteria provided, single submitter. Criteria: Invitae Variant Classification Sherloc (09022015). Collection method: clinical testing. Allele origin: germline.
Comment: This sequence change falls in intron 6 of the NFU1 gene. It does not directly change the encoded amino acid sequence of the NFU1 protein. It affects a nucleotide within the consensus splice site. This variant is present in population databases (rs371601286, gnomAD 0.02%). This variant has not been reported in the literature in individuals affected with NFU1-related conditions. ClinVar contains an entry for this variant (Variation ID: 1509047). Variants that disrupt the consensus splice site are a relatively common cause of aberrant splicing (PMID: 17576681, 9536098). Algorithms developed to predict the effect of sequence changes on RNA splicing suggest that this variant is not likely to affect RNA splicing. In summary, the available evidence is currently insufficient to determine the role of this variant in disease. Therefore, it has been classified as a Variant of Uncertain Significance.

Blueprint Genetics
Classification: Likely benign. Last evaluated: 2021-08-28. Review status: criteria provided, single submitter. Criteria: ACMG Guidelines, 2015. Collection method: clinical testing. Allele origin: germline.

Literature cited by the submitters: PubMed 17576681 (cited by Labcorp Genetics (formerly Invitae), Labcorp); PubMed 9536098 (cited by Labcorp Genetics (formerly Invitae), Labcorp).

NM_001002755.4(NFU1):c.545+4C>T

Gene: NFU1 (NFU1 iron-sulfur cluster scaffold; minus strand). Cytogenetic location: 2p13.3.
Variant type: single nucleotide variant.
Coding change: c.545+4C>T on transcript NM_001002755.4 (MANE Select); 4 bases into the intron after coding-DNA position 545, C replaced by T.
Molecular consequence: intron variant.
Genome position (GRCh38, 1-based): chr2:69,406,018, G>A on the plus strand (C>T on the coding strand, the complement: NFU1 is on the minus strand). VCF-style: chr2-69406018-G-A. GRCh37 (hg19) VCF-style: chr2-69633150-G-A.
Other names: c.473+4C>T (NM_015700.4, NM_001374284.1); c.122+4C>T (NM_001002756.2).
Identifiers: ClinVar variation 1509047 (VCV001509047.7), dbSNP rs371601286, ClinGen allele CA1694142.